The following is an entry in ClinVar:

ClinVar aggregate classification (germline): Pathogenic/Likely pathogenic. Review status: criteria provided, multiple submitters, no conflicts (2 of 4 stars). 2 submissions from 2 submitters: Pathogenic (1); Likely pathogenic (1). Last evaluated 2024-09-20.

Conditions:
SIN3A-related disorder. Also called: SIN3A-related condition.
SIN3A-related intellectual disability syndrome due to a point mutation. Also called: 15q24 Microdeletion Syndrome; WITTEVEEN-KOLK SYNDROME. Identifiers: Orphanet 500166, Orphanet 94065, MedGen C4310804, MONDO:0044700, OMIM 613406.

Submissions (2):

Victorian Clinical Genetics Services, Murdoch Childrens Research Institute
Classification: Pathogenic for SIN3A-related intellectual disability syndrome due to a point mutation. Last evaluated: 2024-09-20. Review status: criteria provided, single submitter. Criteria: ACMG Guidelines, 2015. Collection method: clinical testing. Allele origin: germline. Inheritance: Autosomal dominant inheritance. Affected: yes.
Comment: Based on the classification scheme VCGS_Germline_v1.3.4, this variant is classified as Pathogenic. Following criteria are met: 0102 - Loss of function is a known mechanism of disease in this gene and is associated with Witteveen-Kolk syndrome (MIM#613406). (I) 0107 - This gene is associated with autosomal dominant disease. (I) 0201 - Variant is predicted to cause nonsense-mediated decay (NMD) and loss of protein (premature termination codon is located at least 54 nucleotides upstream of the final exon-exon junction). (SP) 0251 - This variant is heterozygous. (I) 0301 - Variant is absent from gnomAD (both v2 and v3). (SP) 0701 - Many other NMD-predicted variants comparable to the one identified in this case have very strong previous evidence for pathogenicity (DECIPHER). (SP) 0807 - This variant has no previous evidence of pathogenicity. (I) 0905 - No published segregation evidence has been identified for this variant. (I) 1007 - No published functional evidence has been identified for this variant. (I) Legend: (SP) - Supporting pathogenic, (I) - Information, (SB) - Supporting benign

Blueprint Genetics
Classification: Likely pathogenic for SIN3A-related disorders. Last evaluated: 2024-05-30. Review status: criteria provided, single submitter. Criteria: ACMG Guidelines, 2015. Collection method: clinical testing. Allele origin: germline. Affected: yes. Observed: 1 variant allele.

NM_001145358.2(SIN3A):c.965dup (p.Asp323fs)

Gene: SIN3A (SIN3 transcription regulator family member A; minus strand). Cytogenetic location: 15q24.2.
Variant type: Duplication.
Coding change: c.965dup on transcript NM_001145358.2 (MANE Select); coding-DNA position 965, one base duplicated (C; older notation c.965dupC).
Protein change: p.Asp323fs; shifts the reading frame from aspartic acid 323.
Molecular consequence: frameshift variant.
Genome position (GRCh38, 1-based): chr15:75,411,535, G duplicated on the plus strand (C on the coding strand, the reverse complement: SIN3A is on the minus strand); the first of 2 consecutive G bases (chr15:75,411,535-75,411,536); duplicating either gives the same sequence. VCF-style (leftmost placement, unchanged base first): chr15-75411534-T-TG. GRCh37 (hg19) VCF-style: chr15-75703875-T-TG.
Other names: c.965dup, p.Asp323fs (NM_001145357.2, NM_015477.3); short protein forms D323fs.
Identifiers: ClinVar variation 3255060 (VCV003255060.3), dbSNP rs2542690105.
Genomic context (GRCh38, chr15:75,411,534, plus strand): 5'-TGAATGGGCACTCCTTACCTGATATGTGTGCAAAATCTCCAGGAATGCTTTGTAGATGTC[T>TG]GGTTGGCCCTGAAATCTGTTCTTGATCTTATTAACATAGTTGATGGCATGATTAAACTCC-3'